The following is an entry in ClinVar:

NM_001042492.3(NF1):c.2166_2170del (p.Gly722_Val723insTer)

Gene: NF1 (neurofibromin 1; plus strand). Cytogenetic location: 17q11.2.
Variant type: Deletion.
Coding change: c.2166_2170del on transcript NM_001042492.3 (MANE Select); coding-DNA positions 2166 to 2170, 5 bases deleted (GGTGG; older notation c.2166_2170delGGTGG).
Protein change: p.Gly722_Val723insTer.
Molecular consequence: frameshift variant. On other transcripts: nonsense (1).
Genome position (GRCh38, 1-based): chr17:31,226,599-31,226,603, GGTGG deleted; deleting any 5 consecutive bases within chr17:31,226,595-31,226,603 gives the same sequence; the c. name uses the placement nearest the transcript's 3' end. VCF-style (leftmost placement, unchanged base first): chr17-31226594-TGTGGG-T. GRCh37 (hg19) VCF-style: chr17-29553612-TGTGGG-T.
Other names: c.2166_2170delGGTGG, p.Val723Terfs (NM_000267.4); c.2166_2170delGGTGG (NM_000267.3).
Identifiers: ClinVar variation 1786974 (VCV001786974.2), dbSNP rs2508157380, ClinGen allele CA2580093166.

ClinVar aggregate classification (germline): Pathogenic (1 of 4 stars; one submission).

Conditions:
Hereditary cancer-predisposing syndrome. Also called: Neoplastic Syndromes, Hereditary; Tumor predisposition; Hereditary Cancer Syndrome; Hereditary neoplastic syndrome. Identifiers: Orphanet 140162, MedGen C0027672, MeSH D009386, MONDO:0015356.
Cardiovascular phenotype. Identifiers: MedGen CN230736.

Submission:

Ambry Genetics
Classification: Pathogenic for Cardiovascular phenotype; Hereditary cancer-predisposing syndrome. Last evaluated: 2021-08-30. Review status: criteria provided, single submitter. Criteria: Ambry Variant Classification Scheme 2023. Collection method: clinical testing. Allele origin: germline.
Comment: The c.2166_2170delGGTGG pathogenic mutation, located in coding exon 18 of the NF1 gene, results from a deletion of 5 nucleotides at nucleotide positions 2166 to 2170, causing a translational frameshift with a predicted alternate stop codon (p.V723*). This alteration has been observed in at least one individual with a personal and/or family history that is consistent with NF1-related disease (Ambry internal data). This variant is considered to be rare based on population cohorts in the Genome Aggregation Database (gnomAD). This alteration is expected to result in loss of function by premature protein truncation or nonsense-mediated mRNA decay. As such, this alteration is interpreted as a disease-causing mutation.